The following is an entry in ClinVar:

NM_001193315.2(VIPAS39):c.994C>G (p.Pro332Ala)

Gene: VIPAS39 (VPS33B interacting protein, apical-basolateral polarity regulator, spe-39 homolog; minus strand). Cytogenetic location: 14q24.3.
Variant type: single nucleotide variant.
Coding change: c.994C>G on transcript NM_001193315.2 (MANE Select); coding-DNA position 994, C replaced by G.
Protein change: p.Pro332Ala; replaces proline 332 with alanine.
Molecular consequence: missense variant. On other transcripts: non-coding transcript variant (1), intron variant (2).
Genome position (GRCh38, 1-based): chr14:77,435,312, G>C on the plus strand (C>G on the coding strand, the complement: VIPAS39 is on the minus strand). VCF-style: chr14-77435312-G-C. GRCh37 (hg19) VCF-style: chr14-77901655-G-C.
Other names: c.994C>G, p.Pro332Ala (NM_001193314.2, NM_001193317.2, NM_001400326.1 and 5 more transcripts); c.847C>G, p.Pro283Ala (NM_001193316.2, NM_001400324.1, NM_001400325.1); c.961C>G, p.Pro321Ala (NM_001400327.1); c.901C>G, p.Pro301Ala (NM_001400333.1, NM_001400334.1); c.754C>G, p.Pro252Ala (NM_001400337.1); c.892C>G, p.Pro298Ala (NM_001400338.1); c.763-1009C>G (NM_001400339.1); c.912+532C>G (NM_001400336.1); short protein forms P332A, P252A, P298A, P301A, P283A, P321A.
Identifiers: ClinVar variation 2117174 (VCV002117174.4), dbSNP rs2503160174, ClinGen allele CA390697078.

ClinVar aggregate classification (germline): Uncertain significance (1 of 4 stars; one submission).

Submission:

Labcorp Genetics (formerly Invitae), Labcorp
Classification: Uncertain significance. Last evaluated: 2022-07-19. Review status: criteria provided, single submitter. Criteria: Invitae Variant Classification Sherloc (09022015). Collection method: clinical testing. Allele origin: germline.
Comment: This sequence change replaces proline, which is neutral and non-polar, with alanine, which is neutral and non-polar, at codon 332 of the VIPAS39 protein (p.Pro332Ala). In summary, the available evidence is currently insufficient to determine the role of this variant in disease. Therefore, it has been classified as a Variant of Uncertain Significance. Algorithms developed to predict the effect of missense changes on protein structure and function are either unavailable or do not agree on the potential impact of this missense change (SIFT: "Deleterious"; PolyPhen-2: "Possibly Damaging"; Align-GVGD: "Class C0"). This variant has not been reported in the literature in individuals affected with VIPAS39-related conditions. This variant is not present in population databases (gnomAD no frequency).